The following is an entry in ClinVar:

NM_004415.4(DSP):c.1679T>C (p.Ile560Thr)

Gene: DSP (desmoplakin; plus strand). Cytogenetic location: 6p24.3.
Variant type: single nucleotide variant.
Coding change: c.1679T>C on transcript NM_004415.4 (MANE Select); coding-DNA position 1679, T replaced by C.
Protein change: p.Ile560Thr; replaces isoleucine 560 with threonine.
Molecular consequence: missense variant.
Genome position (GRCh38, 1-based): chr6:7,570,541, T>C. VCF-style: chr6-7570541-T-C. GRCh37 (hg19) VCF-style: chr6-7570774-T-C.
Other names: c.1679T>C, p.Ile560Thr (NM_001008844.3, NM_001319034.2); short protein forms I560T.
Identifiers: ClinVar variation 1777858 (VCV001777858.3), dbSNP rs2533890648, ClinGen allele CA362678448.

ClinVar aggregate classification (germline): Uncertain significance. Review status: criteria provided, multiple submitters, no conflicts (2 of 4 stars). 2 submissions from 2 submitters: Uncertain significance (2). Last evaluated 2024-09-23.

Conditions:
Cardiovascular phenotype. Identifiers: MedGen CN230736.
Arrhythmogenic cardiomyopathy with wooly hair and keratoderma. Also called: Arrhythmogenic cardiomyopathy with woolly hair and keratoderma; PALMOPLANTAR KERATODERMA WITH LEFT VENTRICULAR CARDIOMYOPATHY AND WOOLLY HAIR; Carvajal syndrome; Dilated cardiomyopathy with woolly hair and keratoderma. Identifiers: Orphanet 65282, MedGen C1854063, MONDO:0011581, OMIM 605676.

Submissions (2):

All of Us Research Program, National Institutes of Health
Classification: Uncertain significance for Arrhythmogenic cardiomyopathy with wooly hair and keratoderma. Last evaluated: 2024-09-23. Review status: criteria provided, single submitter. Criteria: ACMG Guidelines, 2015. Collection method: clinical testing. Allele origin: germline. Inheritance: Autosomal dominant inheritance. Observed: 1 variant allele, 1 heterozygote.
Comment: This study involves interpretation of variants in research participants for the purpose of population health screening. Participant phenotype was not available at the time of variant classification. Additional details can be found in publication PMID: 35346344, PMCID: PMC8962531

Ambry Genetics
Classification: Uncertain significance for Cardiovascular phenotype. Last evaluated: 2022-09-24. Review status: criteria provided, single submitter. Criteria: Ambry Variant Classification Scheme 2023. Collection method: clinical testing. Allele origin: germline.
Comment: The p.I560T variant (also known as c.1679T>C), located in coding exon 13 of the DSP gene, results from a T to C substitution at nucleotide position 1679. The isoleucine at codon 560 is replaced by threonine, an amino acid with similar properties. This amino acid position is conserved. In addition, this alteration is predicted to be deleterious by in silico analysis. Since supporting evidence is limited at this time, the clinical significance of this alteration remains unclear.